The following is an entry in ClinVar:

NM_007046.4(EMILIN1):c.64G>A (p.Ala22Thr)

Gene: EMILIN1 (elastin microfibril interfacer 1; plus strand). Cytogenetic location: 2p23.3.
Variant type: single nucleotide variant.
Coding change: c.64G>A on transcript NM_007046.4 (MANE Select); coding-DNA position 64, G replaced by A.
Protein change: p.Ala22Thr; replaces alanine 22 with threonine.
Molecular consequence: missense variant.
Genome position (GRCh38, 1-based): chr2:27,079,129, G>A. VCF-style: chr2-27079129-G-A. GRCh37 (hg19) VCF-style: chr2-27301997-G-A.
Other names: short protein forms A22T.
Identifiers: ClinVar variation 208756 (VCV000208756.7), dbSNP rs753862645, ClinGen allele CA204832.

ClinVar aggregate classification (germline): Uncertain significance. Review status: criteria provided, single submitter (1 of 4 stars). 2 submissions from 2 submitters: Uncertain significance (1). 1 of the submissions does not count toward it. Last evaluated 2013-05-29.

Conditions:
Neuronopathy, distal hereditary motor, autosomal dominant 10. Also called: NEUROPATHY, DISTAL HEREDITARY MOTOR, TYPE X; Neuronopathy, distal hereditary motor, type X. Identifiers: MedGen C5774234, MONDO:0859300, OMIM 620080.
Inborn genetic diseases. Identifiers: MedGen C0950123, MeSH D030342.

Allele frequency attached by ClinVar (database versions not stated): TOPMed 0.00001; ExAC 0.00002; gnomAD 0.00002; gnomAD exomes 0.00003.

Submissions (2):

Ambry Genetics
Classification: Uncertain significance for Inborn genetic diseases. Last evaluated: 2013-05-29. Review status: criteria provided, single submitter. Criteria: Ambry Autosomal Dominant and X-Linked criteria (10/2015). Collection method: clinical testing. Allele origin: germline. Observed: 1 variant allele.
Comment: There is insufficient or conflicting evidence for classification of this alteration.

OMIM
Classification: Pathogenic for NEURONOPATHY, DISTAL HEREDITARY MOTOR, AUTOSOMAL DOMINANT 10. Last evaluated: 2023-10-17. Review status: no assertion criteria provided. Collection method: literature only. Allele origin: germline. Not counted in ClinVar's aggregate classification.

Literature cited by the submitters: PubMed 26462740 (cited by OMIM).